The following is an entry in ClinVar:

ClinVar aggregate classification (germline): Uncertain significance (1 of 4 stars; one submission).

Allele frequency attached by ClinVar (database versions not stated): gnomAD exomes below 0.00001; ExAC 0.00001.
gnomAD v4.1: 1 of 1,526,256 alleles (0.000066%); highest among the groups gnomAD compares: Non-Finnish European, 0.000088%; no homozygotes.

Submission:

Labcorp Genetics (formerly Invitae), Labcorp
Classification: Uncertain significance. Last evaluated: 2024-11-03. Review status: criteria provided, single submitter. Criteria: Invitae Variant Classification Sherloc (09022015). Collection method: clinical testing. Allele origin: germline.
Comment: This sequence change replaces leucine, which is neutral and non-polar, with phenylalanine, which is neutral and non-polar, at codon 1005 of the TAOK2 protein (p.Leu1005Phe). This variant is present in population databases (rs758771154, gnomAD 0.001%). This variant has not been reported in the literature in individuals affected with TAOK2-related conditions. ClinVar contains an entry for this variant (Variation ID: 2716335). An algorithm developed to predict the effect of missense changes on protein structure and function outputs the following: PolyPhen-2: "Benign". The phenylalanine amino acid residue is found in multiple mammalian species, which suggests that this missense change does not adversely affect protein function. In summary, the available evidence is currently insufficient to determine the role of this variant in disease. Therefore, it has been classified as a Variant of Uncertain Significance.

NM_016151.4(TAOK2):c.3013C>T (p.Leu1005Phe)

Gene: TAOK2 (TAO kinase 2; plus strand). Cytogenetic location: 16p11.2.
Variant type: single nucleotide variant.
Coding change: c.3013C>T on transcript NM_016151.4 (MANE Select); coding-DNA position 3013, C replaced by T.
Protein change: p.Leu1005Phe; replaces leucine 1005 with phenylalanine.
Molecular consequence: missense variant. On other transcripts: intron variant (1).
Genome position (GRCh38, 1-based): chr16:29,987,285, C>T. VCF-style: chr16-29987285-C-T. GRCh37 (hg19) VCF-style: chr16-29998606-C-T.
Other names: c.2674C>T, p.Leu892Phe (NM_001252043.2); c.2232+781C>T (NM_004783.4); short protein forms L892F, L1005F.
Identifiers: ClinVar variation 2716335 (VCV002716335.3), dbSNP rs758771154, ClinGen allele CA7998485.
Genomic context (GRCh38, chr16:29,987,285, plus strand): 5'-CTGCAGGCAGCGCTGCTGGCCCTTGAGGTGGGGCTGGTGGGTCTGGGGGCCTCCTACCTG[C>T]TCCTTTGTACAGCCCTGCACCTGCCCTCCAGTCTTTTCCTACTCCTGGCCCAGGGTACCG-3'
Protein context (NP_057235.2, residues 995-1015): GLVGLGASYL[Leu1005Phe]LCTALHLPSS